The following is an entry in ClinVar:

NM_000075.4(CDK4):c.144C>A (p.Gly48=)

Genes: CDK4 (cyclin dependent kinase 4; minus strand), LOC130008148 (ATAC-STARR-seq lymphoblastoid silent region 4588; plus strand). Cytogenetic location: 12q14.1.
Variant type: single nucleotide variant.
Coding change: c.144C>A on transcript NM_000075.4 (MANE Select); coding-DNA position 144, C replaced by A.
Protein change: p.Gly48=; no amino-acid change (glycine 48 retained).
Molecular consequence: synonymous variant.
Genome position (GRCh38, 1-based): chr12:57,751,574, G>T on the plus strand (C>A on the coding strand, the complement: CDK4 is on the minus strand). VCF-style: chr12-57751574-G-T. GRCh37 (hg19) VCF-style: chr12-58145357-G-T.
Identifiers: ClinVar variation 1772884 (VCV001772884.3), dbSNP rs1955237627, ClinGen allele CA480404864.

ClinVar aggregate classification (germline): Benign/Likely benign. Review status: criteria provided, multiple submitters, no conflicts (2 of 4 stars). 2 submissions from 2 submitters: Benign (1); Likely benign (1). Last evaluated 2024-09-24.

Conditions:
Hereditary cancer-predisposing syndrome. Also called: Hereditary Cancer Syndrome; Hereditary neoplastic syndrome; Neoplastic Syndromes, Hereditary; Tumor predisposition. Identifiers: Orphanet 140162, MedGen C0027672, MeSH D009386, MONDO:0015356.
Melanoma, cutaneous malignant, susceptibility to, 3. Also called: Cutaneous malignant melanoma 3. Identifiers: Orphanet 618, MedGen C1836892, MONDO:0012183, OMIM 609048.

Submissions (2):

Myriad Genetics, Inc.
Classification: Benign for Melanoma, cutaneous malignant, susceptibility to, 3. Last evaluated: 2024-09-24. Review status: criteria provided, single submitter. Criteria: Myriad Autosomal Dominant, Autosomal Recessive and X-Linked Classification Criteria (2023). Collection method: clinical testing. Allele origin: unknown.
Comment: This variant is considered benign. This variant is a silent/synonymous amino acid change and it is not expected to impact splicing.

Ambry Genetics
Classification: Likely benign for Hereditary cancer-predisposing syndrome. Last evaluated: 2021-04-15. Review status: criteria provided, single submitter. Criteria: Ambry Variant Classification Scheme 2023. Collection method: clinical testing. Allele origin: germline.